The following is an entry in ClinVar:

ClinVar aggregate classification (germline): Uncertain significance. Review status: criteria provided, multiple submitters, no conflicts (2 of 4 stars). 4 submissions from 4 submitters: Uncertain significance (3). 1 of the submissions does not count toward it. Last evaluated 2026-05-26.

Conditions:
Retinal dystrophy. Also called: Inherited retinal dystrophy. Identifiers: Orphanet 71862, MedGen C0854723, MeSH D058499, MONDO:0019118, HP:0000556.
WHRN-related disorder. Also called: WHRN-related condition.

Allele frequency attached by ClinVar (database versions not stated): gnomAD exomes 0.00001 and 0.00002; ExAC 0.00002; gnomAD 0.00004; TOPMed 0.00004; ESP Exome Variant Server 0.00008.
gnomAD v4.1: 25 of 1,613,188 alleles (0.0015%); highest among the groups gnomAD compares: Middle Eastern, 0.016%; no homozygotes.

Submissions (4):

PreventionGenetics, part of Exact Sciences
Classification: Uncertain significance for WHRN-related condition. Last evaluated: 2026-05-26. Review status: criteria provided, single submitter. Criteria: ACMG Guidelines, 2015. Collection method: clinical testing. Allele origin: germline.
Comment: The WHRN c.724C>T variant is predicted to result in the amino acid substitution p.Arg242Cys. To our knowledge, this variant has not been reported in the literature. This variant is reported in 0.015% of alleles in individuals of East Asian descent in gnomAD. At this time, the clinical significance of this variant is uncertain due to the absence of conclusive functional and genetic evidence.

Labcorp Genetics (formerly Invitae), Labcorp
Classification: Uncertain significance. Last evaluated: 2023-12-11. Review status: criteria provided, single submitter. Criteria: Invitae Variant Classification Sherloc (09022015). Collection method: clinical testing. Allele origin: germline.
Comment: This sequence change replaces arginine, which is basic and polar, with cysteine, which is neutral and slightly polar, at codon 242 of the WHRN protein (p.Arg242Cys). This variant is present in population databases (rs372265292, gnomAD 0.02%). This variant has not been reported in the literature in individuals affected with WHRN-related conditions. ClinVar contains an entry for this variant (Variation ID: 852846). An algorithm developed to predict the effect of missense changes on protein structure and function (PolyPhen-2) suggests that this variant is likely to be disruptive. In summary, the available evidence is currently insufficient to determine the role of this variant in disease. Therefore, it has been classified as a Variant of Uncertain Significance.

Blueprint Genetics
Classification: Uncertain significance. Last evaluated: 2023-11-01. Review status: criteria provided, single submitter. Criteria: ACMG Guidelines, 2015. Collection method: clinical testing. Allele origin: germline.

Institute of Human Genetics, Univ. Regensburg, Univ. Regensburg
Classification: Uncertain significance for Retinal dystrophy. Last evaluated: 2023-01-01. Review status: no assertion criteria provided. Criteria: ACMG Guidelines, 2015. Collection method: clinical testing. Allele origin: germline. Affected: yes. Not counted in ClinVar's aggregate classification.

NM_015404.4(WHRN):c.724C>T (p.Arg242Cys)

Gene: WHRN (whirlin; minus strand). Cytogenetic location: 9q32.
Variant type: single nucleotide variant.
Coding change: c.724C>T on transcript NM_015404.4 (MANE Select); coding-DNA position 724, C replaced by T.
Protein change: p.Arg242Cys; replaces arginine 242 with cysteine.
Molecular consequence: missense variant. On other transcripts: 5 prime UTR variant (1).
Genome position (GRCh38, 1-based): chr9:114,478,666, G>A on the plus strand (C>T on the coding strand, the complement: WHRN is on the minus strand). VCF-style: chr9-114478666-G-A. GRCh37 (hg19) VCF-style: chr9-117240946-G-A.
Other names: c.-426C>T (NM_001083885.3); c.724C>T, p.Arg242Cys (NM_001173425.2); short protein forms R242C.
Identifiers: ClinVar variation 852846 (VCV000852846.10), dbSNP rs372265292, ClinGen allele CA5206209.
Genomic context (GRCh38, chr9:114,478,666, plus strand): 5'-CCTGCTGCCTCAGGGCACCACCGTGGGGCTGGGGCAGGCCCGAGGGTGGGGAGATGCTGC[G>A]GCCCTGCGGGTCCACCCAGGTGTAGATGTGGTTGGTGACGTAGCCCCCAGGGATGCGCCC-3'
Protein context (NP_056219.3, residues 232-252): HIYTWVDPQG[Arg242Cys]SISPPSGLPQ